The following is an entry in ClinVar:

ClinVar aggregate classification (germline): Likely pathogenic (1 of 4 stars; one submission).

Conditions:
F10-related disorder. Also called: F10-related condition.

gnomAD v4.1: 6 of 1,613,776 alleles (0.00037%); highest among the groups gnomAD compares: African/African-American, 0.0067%; no homozygotes.

Submission:

PreventionGenetics, part of Exact Sciences
Classification: Likely pathogenic for F10-related condition. Last evaluated: 2025-04-04. Review status: criteria provided, single submitter. Criteria: ACMG Guidelines, 2015. Collection method: clinical testing. Allele origin: germline.
Comment: The F10 c.785G>A variant is predicted to result in the amino acid substitution p.Gly262Asp. This variant, also described as Gly43Asp and Gly222Asp using legacy nomenclature, has been reported in the homozygous state at multiple Iranian and Turkish individuals of predominantly Kurdish ancestry with severe factor X deficiency (Peyvandi et al. 2002. PubMed ID: 12028042; Epcacan et al. 2015. PubMed ID: 26222694). In vitro studies indicate that this variant causes delayed protein secretion, impaired catalytic activity, and a greatly reduced rate of FVIIa-mediated prothrombin activation (Menegatti et al. 2014. PubMed ID: 24393662). This variant is reported in 0.0080% of alleles in individuals of African descent in gnomAD. Taken together, this variant is interpreted as likely pathogenic.

NM_000504.4(F10):c.785G>A (p.Gly262Asp)

Genes: F10 (coagulation factor X; plus strand), F10-AS2 (F10 antisense RNA 2; minus strand). Cytogenetic location: 13q34.
Variant type: single nucleotide variant.
Coding change: c.785G>A on transcript NM_000504.4 (MANE Select); coding-DNA position 785, G replaced by A.
Protein change: p.Gly262Asp; replaces glycine 262 with aspartic acid.
Molecular consequence: missense variant.
Genome position (GRCh38, 1-based): chr13:113,147,416, G>A. VCF-style: chr13-113147416-G-A. GRCh37 (hg19) VCF-style: chr13-113801730-G-A.
Other names: c.653G>A, p.Gly218Asp (NM_001312674.2); c.785G>A, p.Gly262Asp (NM_001312675.2); short protein forms G262D, G218D.
Identifiers: ClinVar variation 4999983 (VCV004999983.1).